The following is an entry in ClinVar:

NM_001743.6(CALM2):c.388G>A (p.Asp130Asn)

Gene: CALM2 (calmodulin 2; minus strand). Cytogenetic location: 2p21.
Variant type: single nucleotide variant.
Coding change: c.388G>A on transcript NM_001743.6 (MANE Select); coding-DNA position 388, G replaced by A.
Protein change: p.Asp130Asn; replaces aspartic acid 130 with asparagine.
Molecular consequence: missense variant.
Genome position (GRCh38, 1-based): chr2:47,161,756, C>T on the plus strand (G>A on the coding strand, the complement: CALM2 is on the minus strand). VCF-style: chr2-47161756-C-T. GRCh37 (hg19) VCF-style: chr2-47388895-C-T.
Other names: c.532G>A, p.Asp178Asn (NM_001305624.1); c.280G>A, p.Asp94Asn (NM_001305625.2, NM_001305626.1); short protein forms D130N, D94N, D178N.
Identifiers: ClinVar variation 1398892 (VCV001398892.8), dbSNP rs2103823638, ClinGen allele CA346719068.
Genomic context (GRCh38, chr2:47,161,756, plus strand): 5'-AATGAGGCGTGAGACTGAAACATTTACCTTCATAGTTTACTTGACCATCACCATCAATAT[C>T]TGCTTCCCTGATCATTTCATCAACTTCTTCATCTGTTAACTTCTCTCCAAGGTTTGTCAT-3'
Protein context (NP_001734.1, residues 120-140): EEVDEMIREA[Asp130Asn]IDGDGQVNYE

ClinVar aggregate classification (germline): Pathogenic (1 of 4 stars; one submission).

Conditions:
Long QT syndrome 1 (LQT1). Identifiers: Orphanet 101016, Orphanet 768, MedGen C4551647, MONDO:0100316, OMIM 192500, MONDO:0008646.

Submission:

Labcorp Genetics (formerly Invitae), Labcorp
Classification: Pathogenic for Long QT syndrome 1. Last evaluated: 2021-03-10. Review status: criteria provided, single submitter. Criteria: Invitae Variant Classification Sherloc (09022015). Collection method: clinical testing. Allele origin: germline.
Comment: For these reasons, this variant has been classified as Pathogenic. This sequence change replaces aspartic acid with asparagine at codon 130 of the CALM2 protein (p.Asp130Asn). The aspartic acid residue is highly conserved and there is a small physicochemical difference between aspartic acid and asparagine. This variant is not present in population databases (ExAC no frequency). This variant has been observed in individual(s) with long QT syndrome (Invitae). In at least one individual the variant was observed to be de novo. Algorithms developed to predict the effect of missense changes on protein structure and function are either unavailable or do not agree on the potential impact of this missense change (SIFT: "Tolerated"; PolyPhen-2: "Possibly Damaging"; Align-GVGD: "Class C0"). This variant disrupts the p.Asp130 amino acid residue in CALM2. Other variant(s) that disrupt this residue have been determined to be pathogenic (PMID: 26969752, Invitae). This suggests that this residue is clinically significant, and that variants that disrupt this residue are likely to be disease-causing.

Literature cited by the submitters: PubMed 26969752.